The following is an entry in ClinVar:

NM_001379659.1(ZNF142):c.5485A>G (p.Lys1829Glu)

Gene: ZNF142 (zinc finger protein 142; minus strand). Cytogenetic location: 2q35.
Variant type: single nucleotide variant.
Coding change: c.5485A>G on transcript NM_001379659.1 (MANE Select); coding-DNA position 5485, A replaced by G.
Protein change: p.Lys1829Glu; replaces lysine 1829 with glutamic acid.
Molecular consequence: missense variant.
Genome position (GRCh38, 1-based): chr2:218,638,518, T>C on the plus strand (A>G on the coding strand, the complement: ZNF142 is on the minus strand). VCF-style: chr2-218638518-T-C. GRCh37 (hg19) VCF-style: chr2-219503241-T-C.
Other names: c.4396A>G, p.Lys1466Glu (NM_001366287.3, NM_001366288.3, NM_001366289.3); c.5485A>G, p.Lys1829Glu (NM_001366290.3, NM_001379660.1, NM_001379661.1); c.4885A>G, p.Lys1629Glu (NM_001366291.3, NM_001105537.5, NM_001379662.1); short protein forms K1466E, K1629E, K1829E.
Identifiers: ClinVar variation 3364952 (VCV003364952.1).

ClinVar aggregate classification (germline): Uncertain significance (1 of 4 stars; one submission).

gnomAD v4.1: 4 of 1,608,820 alleles (0.00025%); highest among the groups gnomAD compares: East Asian, 0.0022%; no homozygotes.

Submission:

GeneDx
Classification: Uncertain significance. Last evaluated: 2023-11-27. Review status: criteria provided, single submitter. Criteria: GeneDx Variant Classification Process June 2021. Collection method: clinical testing. Allele origin: germline. Affected: yes.
Comment: Not observed at significant frequency in large population cohorts (gnomAD); In silico analysis supports that this missense variant does not alter protein structure/function; Has not been previously published as pathogenic or benign to our knowledge